The following is an entry in ClinVar:

NM_016333.4(SRRM2):c.1719_1751del (p.571GRSRSRTPARR[1])

Gene: SRRM2 (serine/arginine repetitive matrix 2; plus strand). Cytogenetic location: 16p13.3.
Variant type: Deletion.
Coding change: c.1719_1751del on transcript NM_016333.4 (MANE Select); coding-DNA positions 1719 to 1751, 33 bases deleted.
Protein change: p.571GRSRSRTPARR[1].
Molecular consequence: inframe deletion.
Genome position (GRCh38, 1-based): chr16:2,762,247-2,762,279, 33 bases deleted; deleting any 33 consecutive bases within chr16:2,762,245-2,762,279 gives the same sequence; the c. name uses the placement nearest the transcript's 3' end. GRCh37 (hg19): chr16:2,812,248-2,812,280.
Identifiers: ClinVar variation 3343092 (VCV003343092.1).

ClinVar aggregate classification (germline): Uncertain significance (1 of 4 stars; one submission).

Submission:

GeneDx
Classification: Uncertain significance. Last evaluated: 2023-04-15. Review status: criteria provided, single submitter. Criteria: GeneDx Variant Classification Process June 2021. Collection method: clinical testing. Allele origin: germline. Affected: yes.
Comment: Not observed at significant frequency in large population cohorts (gnomAD); In-frame deletion of 11 amino acids in a non-repeat region; In silico analysis supports a deleterious effect on protein structure/function; Has not been previously published as pathogenic or benign to our knowledge